The following is an entry in ClinVar:

NM_001384140.1(PCDH15):c.2035dup (p.Glu679fs)

Gene: PCDH15 (protocadherin related 15; minus strand). Cytogenetic location: 10q21.1.
Variant type: Duplication.
Coding change: c.2035dup on transcript NM_001384140.1 (MANE Select); coding-DNA position 2035, one base duplicated (G; older notation c.2035dupG).
Protein change: p.Glu679fs; shifts the reading frame from glutamic acid 679.
Molecular consequence: frameshift variant.
Genome position (GRCh38, 1-based): chr10:54,079,387, C duplicated on the plus strand (G on the coding strand, the reverse complement: PCDH15 is on the minus strand); the first of 3 consecutive C bases (chr10:54,079,387-54,079,389); duplicating any one gives the same sequence. VCF-style (leftmost placement, unchanged base first): chr10-54079386-T-TC. GRCh37 (hg19) VCF-style: chr10-55839146-T-TC.
Other names: c.2050dup, p.Glu684fs (NM_001142763.2, NM_001142771.2); c.2035dup, p.Glu679fs (NM_001142764.2, NM_001142766.2, NM_001142770.3 and 5 more transcripts); c.1822dup, p.Glu608fs (NM_001142765.2); c.1924dup, p.Glu642fs (NM_001142767.2); c.1969dup, p.Glu657fs (NM_001142768.2, NM_001142773.2, NM_001354404.2); c.2069dup, p.Glu691Glyfs (NM_001142769.4); c.2056dup, p.Glu686fs (NM_001354411.2); short protein forms E608fs, E642fs, E657fs, E679fs, E684fs, E686fs, E691fs.
Identifiers: ClinVar variation 5015421 (VCV005015421.1).

ClinVar aggregate classification (germline): Pathogenic (1 of 4 stars; one submission).

Conditions:
Usher syndrome type 1F (USH1F). Also called: USHER SYNDROME, TYPE IF. Identifiers: Orphanet 231169, Orphanet 886, MedGen C1865885, MONDO:0011186, OMIM 602083.

Submission:

Myriad Genetics, Inc.
Classification: Pathogenic for Usher syndrome type 1F. Last evaluated: 2026-01-15. Review status: criteria provided, single submitter. Criteria: Myriad Autosomal Dominant, Autosomal Recessive and X-Linked Classification Criteria (2023). Collection method: clinical testing. Allele origin: unknown.
Comment: NM_033056.3(PCDH15):c.2035dupG(E679Gfs*4) is expected to be pathogenic in the context of PCDH15-related disorders. This variant is predicted to lead to an abnormal or absent protein product due to the creation of a premature termination codon in PCDH15, a gene where loss-of-function variants are known to be pathogenic. Please note: this variant was assessed in the context of healthy population screening.